The following is an entry in ClinVar:

ClinVar aggregate classification (germline): Uncertain significance (1 of 4 stars; one submission).

Submission:

Labcorp Genetics (formerly Invitae), Labcorp
Classification: Uncertain significance. Last evaluated: 2025-11-26. Review status: criteria provided, single submitter. Criteria: Invitae Variant Classification Sherloc (09022015). Collection method: clinical testing. Allele origin: germline.
Comment: This sequence change replaces lysine, which is basic and polar, with glutamic acid, which is acidic and polar, at codon 826 of the HR protein (p.Lys826Glu). This variant is present in population databases (no rsID available, gnomAD 0.02%). This variant has not been reported in the literature in individuals affected with HR-related conditions. An algorithm developed to predict the effect of missense changes on protein structure and function (PolyPhen-2) suggests that this variant is likely to be tolerated. In summary, the available evidence is currently insufficient to determine the role of this variant in disease. Therefore, it has been classified as a Variant of Uncertain Significance.

NM_005144.5(HR):c.2476A>G (p.Lys826Glu)

Gene: HR (HR lysine demethylase and nuclear receptor corepressor; minus strand). Cytogenetic location: 8p21.3.
Variant type: single nucleotide variant.
Coding change: c.2476A>G on transcript NM_005144.5 (MANE Select); coding-DNA position 2476, A replaced by G.
Protein change: p.Lys826Glu; replaces lysine 826 with glutamic acid.
Molecular consequence: missense variant.
Genome position (GRCh38, 1-based): chr8:22,120,850, T>C on the plus strand (A>G on the coding strand, the complement: HR is on the minus strand). VCF-style: chr8-22120850-T-C. GRCh37 (hg19) VCF-style: chr8-21978363-T-C.
Other names: c.2476A>G, p.Lys826Glu (NM_018411.4); short protein forms K826E.
Identifiers: ClinVar variation 4693808 (VCV004693808.1).
Genomic context (GRCh38, chr8:22,120,850, plus strand): 5'-GCAAAGCCCCTGGGGGAGGCAGCCGGGGCCGCACTGGAGAGAGGGGCAGGCCCAGGCCCT[T>C]GCGCAGACCCGGGCCAGCTCGAAGCCCCGGCCCCAGGGCTTTCTCCTGGATCTTCCGTTC-3'
Protein context (NP_005135.2, residues 816-836): PGLRAGPGLR[Lys826Glu]GLGLPLSPVR